The following is an entry in ClinVar:

ClinVar aggregate classification (germline): Likely pathogenic (1 of 4 stars; one submission).

Allele frequency attached by ClinVar (database versions not stated): TOPMed 0.00001; gnomAD 0.00002; 1000 Genomes Project 30x 0.00016; 1000 Genomes Project 0.00020.
gnomAD v4.1: 25 of 1,611,378 alleles (0.0016%); highest among the groups gnomAD compares: Admixed American, 0.0033%; no homozygotes.

Submission:

Labcorp Genetics (formerly Invitae), Labcorp
Classification: Likely pathogenic. Last evaluated: 2024-12-16. Review status: criteria provided, single submitter. Criteria: Invitae Variant Classification Sherloc (09022015). Collection method: clinical testing. Allele origin: germline.
Comment: This sequence change replaces glycine, which is neutral and non-polar, with serine, which is neutral and polar, at codon 525 of the TSPEAR protein (p.Gly525Ser). This variant is present in population databases (rs587671725, gnomAD 0.006%). This missense change has been observed in individual(s) with clinical features of ectodermal dysplasia (internal data). In at least one individual the data is consistent with being in trans (on the opposite chromosome) from a pathogenic variant. It has also been observed to segregate with disease in related individuals. ClinVar contains an entry for this variant (Variation ID: 1927054). Invitae Evidence Modeling of protein sequence and biophysical properties (such as structural, functional, and spatial information, amino acid conservation, physicochemical variation, residue mobility, and thermodynamic stability) has been performed for this missense variant. However, the output from this modeling did not meet the statistical confidence thresholds required to predict the impact of this variant on TSPEAR protein function. This variant disrupts the p.Gly525 amino acid residue in TSPEAR. Other variant(s) that disrupt this residue have been determined to be pathogenic (PMID: 33144682, 34042254; internal data). This suggests that this residue is clinically significant, and that variants that disrupt this residue are likely to be disease-causing. In summary, the currently available evidence indicates that the variant is pathogenic, but additional data are needed to prove that conclusively. Therefore, this variant has been classified as Likely Pathogenic.

Literature cited by the submitters: PubMed 33144682; PubMed 34042254.

NM_144991.3(TSPEAR):c.1573G>A (p.Gly525Ser)

Genes: TSPEAR (thrombospondin type laminin G domain and EAR repeats; minus strand), TSPEAR-AS1 (TSPEAR antisense RNA 1; plus strand), LOC126653398 (CDK7 strongly-dependent group 2 enhancer GRCh37_chr21:45928270-45929469; plus strand). Cytogenetic location: 21q22.3.
Variant type: single nucleotide variant.
Coding change: c.1573G>A on transcript NM_144991.3 (MANE Select); coding-DNA position 1573, G replaced by A.
Protein change: p.Gly525Ser; replaces glycine 525 with serine.
Molecular consequence: missense variant. On other transcripts: non-coding transcript variant (1).
Genome position (GRCh38, 1-based): chr21:44,509,380, C>T on the plus strand (G>A on the coding strand, the complement: TSPEAR is on the minus strand). VCF-style: chr21-44509380-C-T. GRCh37 (hg19) VCF-style: chr21-45929263-C-T.
Other names: c.1369G>A, p.Gly457Ser (NM_001272037.2); short protein forms G525S, G457S.
Identifiers: ClinVar variation 1927054 (VCV001927054.5), dbSNP rs587671725, ClinGen allele CA10056447.
Genomic context (GRCh38, chr21:44,509,380, plus strand): 5'-TGTTTGCCACAGCGAGGAAGATCCTCTCCCCGATCTGGAAGACCTCCCAGTCTGCAGCAC[C>T]GAACGTCTAGGACCAAAGGAGAGCAGGTGCAGAGGTGTGGGGGAGCGGGCGCAGAGGTGT-3'
Protein context (NP_659428.2, residues 515-535): FQLFQSFPTF[Gly525Ser]AADWEVFQIG